The following is an entry in ClinVar:

ClinVar aggregate classification (germline): Uncertain significance (1 of 4 stars; one submission).

Conditions:
Hereditary sensory and autonomic neuropathy type 6. Also called: Neuropathy, hereditary sensory and autonomic, type VI; HSAN VI. Identifiers: Orphanet 314381, MedGen C3539003, MONDO:0013839, OMIM 614653.
Epidermolysis bullosa simplex 3, localized or generalized intermediate, with BP230 deficiency (EBS3). Also called: Epidermolysis bullosa simplex, autosomal recessive 2; Epidermolysis bullosa simplex due to BP230 deficiency. Identifiers: Orphanet 412181, MedGen C3809470, MONDO:0014180, OMIM 615425.

Allele frequency attached by ClinVar (database versions not stated): gnomAD 0.00001; gnomAD exomes 0.00001; ExAC 0.00002.
gnomAD v4.1: 10 of 1,602,116 alleles (0.00062%); highest among the groups gnomAD compares: Middle Eastern, 0.017%; no homozygotes.

Submission:

Labcorp Genetics (formerly Invitae), Labcorp
Classification: Uncertain significance for Epidermolysis bullosa simplex 3, localized or generalized intermediate, with BP230 deficiency; Hereditary sensory and autonomic neuropathy type 6. Last evaluated: 2022-07-20. Review status: criteria provided, single submitter. Criteria: Invitae Variant Classification Sherloc (09022015). Collection method: clinical testing. Allele origin: germline.
Comment: In summary, the available evidence is currently insufficient to determine the role of this variant in disease. Therefore, it has been classified as a Variant of Uncertain Significance. Experimental studies and prediction algorithms are not available or were not evaluated, and the functional significance of this variant is currently unknown. This variant has not been reported in the literature in individuals affected with DST-related conditions. This variant is present in population databases (rs764759297, gnomAD 0.0009%). This sequence change replaces lysine, which is basic and polar, with glutamic acid, which is acidic and polar, at codon 1336 of the DST protein (p.Lys1336Glu). The DST gene has multiple clinically relevant transcripts. This variant occurs in alternate transcript NM_015548.4, and corresponds to NM_001723.5:c.*16988A>G in the primary transcript.

NM_001374736.1(DST):c.11875A>G (p.Lys3959Glu)

Gene: DST (dystonin; minus strand). Cytogenetic location: 6p12.1.
Variant type: single nucleotide variant.
Coding change: c.11875A>G on transcript NM_001374736.1 (MANE Select); coding-DNA position 11875, A replaced by G.
Protein change: p.Lys3959Glu; replaces lysine 3959 with glutamic acid.
Molecular consequence: missense variant.
Genome position (GRCh38, 1-based): chr6:56,598,529, T>C on the plus strand (A>G on the coding strand, the complement: DST is on the minus strand). VCF-style: chr6-56598529-T-C. GRCh37 (hg19) VCF-style: chr6-56463327-T-C.
Other names: c.5518A>G, p.Lys1840Glu (NM_001144769.5); c.5104A>G, p.Lys1702Glu (NM_001144770.2); c.11875A>G, p.Lys3959Glu (NM_001374722.1); c.11242A>G, p.Lys3748Glu (NM_001374729.1); c.4984A>G, p.Lys1662Glu (NM_001374730.1, NM_001386100.1, NM_183380.4); c.11902A>G, p.Lys3968Glu (NM_001374734.1); c.4006A>G, p.Lys1336Glu (NM_015548.5); short protein forms K1662E, K3959E, K3968E, K1840E, K3748E, K1336E, K1702E.
Identifiers: ClinVar variation 1407924 (VCV001407924.6), dbSNP rs764759297, ClinGen allele CA3868564.
Genomic context (GRCh38, chr6:56,598,529, plus strand): 5'-TAAGGACCTTTTCAGTTTCTTCCTTGATTGCTGTTGTCACAACTTTATCCAGCTCCTTTT[T>C]AGACTGTTCTGCTTTTAAATTAAGCTGTTCACACTTTATCTTAGCTTCATTAAGTTTCTG-3'
Protein context (NP_001361665.1, residues 3949-3969): EQLNLKAEQS[Lys3959Glu]KELDKVVTTA